The following is an entry in ClinVar:

NM_013328.4(PYCR2):c.252del (p.Asp85fs)

Gene: PYCR2 (pyrroline-5-carboxylate reductase 2; minus strand). Cytogenetic location: 1q42.12.
Variant type: Deletion.
Coding change: c.252del on transcript NM_013328.4 (MANE Select); coding-DNA position 252, one base deleted (C; older notation c.252delC).
Protein change: p.Asp85fs; shifts the reading frame from aspartic acid 85.
Molecular consequence: frameshift variant.
Genome position (GRCh38, 1-based): chr1:225,922,270, G deleted on the plus strand (C on the coding strand, the reverse complement: PYCR2 is on the minus strand); the first of 2 consecutive G bases (chr1:225,922,270-225,922,271); deleting either gives the same sequence. VCF-style (leftmost placement, unchanged base first): chr1-225922269-CG-C. GRCh37 (hg19) VCF-style: chr1-226109969-CG-C.
Other names: c.252del, p.Asp85fs (NM_001271681.2); short protein forms D85fs.
Identifiers: ClinVar variation 1905643 (VCV001905643.7), dbSNP rs35240460, ClinGen allele CA2574143861.

ClinVar aggregate classification (germline): Pathogenic/Likely pathogenic. Review status: criteria provided, multiple submitters, no conflicts (2 of 4 stars). 4 submissions from 4 submitters: Pathogenic (2); Likely pathogenic (2). Last evaluated 2025-07-10.

Conditions:
Leukodystrophy, hypomyelinating, 10. Also called: PYCR2-related microcephaly-progressive leukoencephalopathy. Identifiers: Orphanet 481152, MedGen C4225332, MONDO:0014632, OMIM 616420.

Submissions (4):

Variantyx, Inc.
Classification: Likely pathogenic for Leukodystrophy, hypomyelinating, 10. Last evaluated: 2025-07-10. Review status: criteria provided, single submitter. Criteria: Variantyx Assertion Criteria 2022. Collection method: clinical testing. Allele origin: germline. Inheritance: Autosomal recessive inheritance. Affected: yes.
Comment: This is a frameshift variant in the PYCR2 gene (OMIM: 616406). Pathogenic variants in this gene have been associated with autosomal recessive hypomyelinating leukodystrophy 10. This variant introduces a premature termination codon in exon 3 out of 7 and is expected to result in loss of function, which is a known disease mechanism for PYCR2 in this disorder (PMID: 25865492, 27860360) (PVS1). This variant has a 0.0004% maximum allele frequency in non-founder control populations (PM2). Based on the current evidence, this variant is classified as likely pathogenic for autosomal recessive hypomyelinating leukodystrophy 10.

Illumina Laboratory Services, Illumina
Classification: Likely pathogenic for Leukodystrophy, hypomyelinating, 10. Last evaluated: 2023-12-01. Review status: criteria provided, single submitter. Criteria: ICSLVariantClassificationCriteria RUGD 01 April 2020. Collection method: clinical testing. Allele origin: unknown.
Comment: The PYCR2 c.252delC p.(Asp85ThrfsTer24) variant causes a shift in the protein reading frame that is predicted to result in premature termination of the protein. Loss of normal protein function through either protein truncation or nonsense-mediated mRNA decay is expected. To our knowledge, this variant has not been reported in the peer-reviewed literature. This variant is reported in the Genome Aggregation Database in four alleles at a frequency of 0.000004 in the European (non-Finnish) population (version 4.0.0). Based on the available evidence, the c.252delC p.(Asp85ThrfsTer24) variant is classified as likely pathogenic for hypomyelinating leukodystrophy.

Labcorp Genetics (formerly Invitae), Labcorp
Classification: Pathogenic. Last evaluated: 2022-11-23. Review status: criteria provided, single submitter. Criteria: Invitae Variant Classification Sherloc (09022015). Collection method: clinical testing. Allele origin: germline.
Comment: This sequence change creates a premature translational stop signal (p.Asp85Thrfs*24) in the PYCR2 gene. It is expected to result in an absent or disrupted protein product. Loss-of-function variants in PYCR2 are known to be pathogenic (PMID: 25865492, 27860360). This variant is not present in population databases (gnomAD no frequency). This variant has not been reported in the literature in individuals affected with PYCR2-related conditions. For these reasons, this variant has been classified as Pathogenic.

Clinical Genetics Service, Universitary Hospital 12 de Octubre
Classification: Pathogenic for Leukodystrophy, hypomyelinating, 10. Review status: criteria provided, single submitter. Criteria: ACMG Guidelines, 2015. Collection method: clinical testing. Allele origin: maternal. Affected: yes.

Literature cited by the submitters: PubMed 25865492 (cited by Variantyx, Inc. and Labcorp Genetics (formerly Invitae), Labcorp); PubMed 27860360 (cited by Variantyx, Inc. and Labcorp Genetics (formerly Invitae), Labcorp).